The following is an entry in ClinVar:

NM_001244926.2(PRPF4):c.119A>G (p.Glu40Gly)

Gene: PRPF4 (pre-mRNA splicing tri-snRNP complex factor PRPF4; plus strand). Cytogenetic location: 9q32.
Variant type: single nucleotide variant.
Coding change: c.119A>G on transcript NM_001244926.2 (MANE Select); coding-DNA position 119, A replaced by G.
Protein change: p.Glu40Gly; replaces glutamic acid 40 with glycine.
Molecular consequence: missense variant. On other transcripts: 5 prime UTR variant (2), non-coding transcript variant (2).
Genome position (GRCh38, 1-based): chr9:113,276,639, A>G. VCF-style: chr9-113276639-A-G. GRCh37 (hg19) VCF-style: chr9-116038919-A-G.
Other names: c.-647A>G (NM_001322266.2, NM_001322267.2); c.122A>G, p.Glu41Gly (NM_004697.5); c.122A>G (NM_004697.4); short protein forms E40G, E41G.
Identifiers: ClinVar variation 1362296 (VCV001362296.16), dbSNP rs759807240, ClinGen allele CA5194779.

ClinVar aggregate classification (germline): Conflicting classifications of pathogenicity. Review status: criteria provided, conflicting classifications (1 of 4 stars). 4 submissions from 4 submitters: Uncertain significance (3); Likely benign (1). Last evaluated 2025-09-01.

Allele frequency attached by ClinVar (database versions not stated): TOPMed below 0.00001; ExAC 0.00001; gnomAD exomes 0.00001.
gnomAD v4.1: 26 of 1,614,138 alleles (0.0016%); highest among the groups gnomAD compares: Non-Finnish European, 0.0017%; no homozygotes.

Submissions (4):

CeGaT Center for Human Genetics Tuebingen
Classification: Likely benign. Last evaluated: 2025-09-01. Review status: criteria provided, single submitter. Criteria: CeGaT Center For Human Genetics Tuebingen Variant Classification Criteria Version 2. Collection method: clinical testing. Allele origin: germline. Affected: yes. Observed: 1 variant allele.
Comment: PRPF4: BP4

Blueprint Genetics
Classification: Uncertain significance. Last evaluated: 2024-11-18. Review status: criteria provided, single submitter. Criteria: ACMG Guidelines, 2015. Collection method: clinical testing. Allele origin: germline.

Labcorp Genetics (formerly Invitae), Labcorp
Classification: Uncertain significance. Last evaluated: 2024-09-04. Review status: criteria provided, single submitter. Criteria: Invitae Variant Classification Sherloc (09022015). Collection method: clinical testing. Allele origin: germline.
Comment: This sequence change replaces glutamic acid, which is acidic and polar, with glycine, which is neutral and non-polar, at codon 41 of the PRPF4 protein (p.Glu41Gly). This variant is present in population databases (rs759807240, gnomAD 0.0009%). This variant has not been reported in the literature in individuals affected with PRPF4-related conditions. ClinVar contains an entry for this variant (Variation ID: 1362296). An algorithm developed to predict the effect of missense changes on protein structure and function (PolyPhen-2) suggests that this variant is likely to be tolerated. In summary, the available evidence is currently insufficient to determine the role of this variant in disease. Therefore, it has been classified as a Variant of Uncertain Significance.

Ambry Genetics
Classification: Uncertain significance. Last evaluated: 2024-05-14. Review status: criteria provided, single submitter. Criteria: Ambry Variant Classification Scheme 2023. Collection method: clinical testing. Allele origin: germline.